The following is an entry in ClinVar:

ClinVar aggregate classification (germline): Uncertain significance (1 of 4 stars; one submission).

Conditions:
Familial thoracic aortic aneurysm and aortic dissection (TAAD). Also called: Thoracic aortic aneurysms and dissections. Identifiers: Orphanet 91387, MedGen C4707243, MONDO:0019625.

Submission:

Color Diagnostics, LLC DBA Color Health
Classification: Uncertain significance for Familial thoracic aortic aneurysm and aortic dissection. Last evaluated: 2024-03-06. Review status: criteria provided, single submitter. Criteria: ACMG Guidelines, 2015. Collection method: clinical testing. Allele origin: germline.
Comment: This missense variant replaces lysine with arginine at codon 193 of the ACTA2 protein. Computational prediction tool is inconclusive regarding the impact of this variant on protein structure and function (internally defined REVEL score threshold 0.5 < inconclusive < 0.7, PMID: 27666373). Splice site prediction tools suggest that this variant may not impact RNA splicing. To our knowledge, functional studies have not been performed for this variant. This variant has not been reported in individuals affected with cardiovascular disorders in the literature. This variant has not been identified in the general population by the Genome Aggregation Database (gnomAD). The available evidence is insufficient to determine the role of this variant in disease conclusively. Therefore, this variant is classified as a Variant of Uncertain Significance.

NM_001613.4(ACTA2):c.578A>G (p.Lys193Arg)

Gene: ACTA2 (actin alpha 2, smooth muscle; minus strand). Cytogenetic location: 10q23.31.
Variant type: single nucleotide variant.
Coding change: c.578A>G on transcript NM_001613.4 (MANE Select); coding-DNA position 578, A replaced by G.
Protein change: p.Lys193Arg; replaces lysine 193 with arginine.
Molecular consequence: missense variant.
Genome position (GRCh38, 1-based): chr10:88,941,267, T>C on the plus strand (A>G on the coding strand, the complement: ACTA2 is on the minus strand). VCF-style: chr10-88941267-T-C. GRCh37 (hg19) VCF-style: chr10-90701024-T-C.
Other names: c.578A>G, p.Lys193Arg (NM_001141945.3, NM_001320855.2, NM_001406462.1 and 3 more transcripts); c.467A>G, p.Lys156Arg (NM_001406466.1); c.449A>G, p.Lys150Arg (NM_001406467.1, NM_001406468.1, NM_001406469.1); short protein forms K193R, K150R, K156R.
Identifiers: ClinVar variation 923753 (VCV000923753.6), dbSNP rs1845843832, ClinGen allele CA377511990.